The following is an entry in ClinVar:

NM_002834.5(PTPN11):c.244A>G (p.Met82Val)

Gene: PTPN11 (protein tyrosine phosphatase non-receptor type 11; plus strand). Cytogenetic location: 12q24.13.
Variant type: single nucleotide variant.
Coding change: c.244A>G on transcript NM_002834.5 (MANE Select); coding-DNA position 244, A replaced by G.
Protein change: p.Met82Val; replaces methionine 82 with valine.
Molecular consequence: missense variant.
Genome position (GRCh38, 1-based): chr12:112,450,424, A>G. VCF-style: chr12-112450424-A-G. GRCh37 (hg19) VCF-style: chr12-112888228-A-G.
Other names: p.M82V:ATG>GTG; NM_002834.4(PTPN11):c.244A>G; c.244A>G, p.Met82Val (NM_001330437.2, NM_080601.3); c.241A>G, p.Met81Val (NM_001374625.1); short protein forms M82V, M81V.
Identifiers: ClinVar variation 40504 (VCV000040504.18), dbSNP rs397507515, ClinGen allele CA243279.

ClinVar aggregate classification (germline): Uncertain significance. Review status: reviewed by expert panel (3 of 4 stars). 6 submissions from 6 submitters: Uncertain significance (1). 5 of the submissions do not count toward it. Last evaluated 2017-04-03.

Conditions:
Noonan syndrome 1 (NS1). Also called: FEMALE PSEUDO-TURNER SYNDROME; TURNER PHENOTYPE WITH NORMAL KARYOTYPE; PTPN11-Related Noonan Syndrome. Identifiers: Orphanet 648, MedGen C4551602, MONDO:0008104, OMIM 163950. Disease mechanism: gain of function.
LEOPARD syndrome 1 (LPRD1). Also called: LENTIGINOSIS, CARDIOMYOPATHIC; MULTIPLE LENTIGINES SYNDROME; PTPN11-Related LEOPARD Syndrome. Identifiers: Orphanet 500, MedGen C4551484, MONDO:0100082, OMIM 151100.
Juvenile myelomonocytic leukemia (JMML). Also called: LEUKEMIA, JUVENILE MYELOMONOCYTIC, SOMATIC. Identifiers: Orphanet 86834, MedGen C0349639, MONDO:0011908, OMIM 607785, HP:0012209.
Metachondromatosis (METCDS). Identifiers: Orphanet 2499, MedGen C0410530, MONDO:0007979, OMIM 156250.
RASopathy. Also called: rasopathies; Noonan spectrum disorder. Identifiers: Orphanet 536391, MedGen C5555857, MONDO:0021060.

Allele frequency attached by ClinVar (database versions not stated): gnomAD 0.00001; gnomAD exomes 0.00001 and 0.00002.
gnomAD v4.1: 31 of 1,613,710 alleles (0.0019%); highest among the groups gnomAD compares: South Asian, 0.0044%; no homozygotes.

Submissions (6):

ClinGen RASopathy Variant Curation Expert Panel
Classification: Uncertain significance for Noonan syndrome and Noonan-related syndrome. Last evaluated: 2017-04-03. Review status: reviewed by expert panel. Criteria: ClinGen RASopathy ACMG Specifications v1. Collection method: curation. Allele origin: germline. Inheritance: Autosomal dominant inheritance.
Comment: The c.244A>G p.Met82Val variant in PTPN11 has been identified in patients with clinical features of a RASopathy (PS4 not met; GeneDx, EGL genetics internal data; GTR ID's: 26957, 500060; SCV000057386.11; SCV000228999.4). This variant has been identified in a patient with an alternate molecular basis for disease (BP5; GeneDx internal data; GTR ID's: 26957; SCV000057386.11). The variant is located in the PTPN11 gene, which has been defined by the ClinGen RASopathy Expert Panel as a gene with a low rate of benign missense variants and pathogenic missense variants are common (PP2; PMID 29493581). In summary, the clinical significance of the p.Met82Val variant is uncertain. RASopathy-specific ACMG/AMP criteria applied (PMID:29493581): BP5, PP2.

Labcorp Genetics (formerly Invitae), Labcorp
Classification: Uncertain significance for RASopathy. Last evaluated: 2025-03-15. Review status: criteria provided, single submitter. Criteria: Invitae Variant Classification Sherloc (09022015). Collection method: clinical testing. Allele origin: germline. Not counted in ClinVar's aggregate classification.
Comment: This sequence change replaces methionine, which is neutral and non-polar, with valine, which is neutral and non-polar, at codon 82 of the PTPN11 protein (p.Met82Val). This variant is present in population databases (rs397507515, gnomAD 0.0009%). This missense change has been observed in individual(s) with clinical features of PTPN11-related conditions (PMID: 30577886). ClinVar contains an entry for this variant (Variation ID: 40504). Invitae Evidence Modeling of protein sequence and biophysical properties (such as structural, functional, and spatial information, amino acid conservation, physicochemical variation, residue mobility, and thermodynamic stability) has been performed for this missense variant. However, the output from this modeling did not meet the statistical confidence thresholds required to predict the impact of this variant on PTPN11 protein function. In summary, the available evidence is currently insufficient to determine the role of this variant in disease. Therefore, it has been classified as a Variant of Uncertain Significance.

Fulgent Genetics
Classification: Uncertain significance for LEOPARD syndrome 1; Metachondromatosis; Noonan syndrome 1; Juvenile myelomonocytic leukemia. Last evaluated: 2024-04-02. Review status: criteria provided, single submitter. Criteria: ACMG Guidelines, 2015. Collection method: clinical testing. Allele origin: germline. Not counted in ClinVar's aggregate classification.

Blueprint Genetics
Classification: Likely benign. Last evaluated: 2023-07-06. Review status: criteria provided, single submitter. Criteria: ACMG Guidelines, 2015. Collection method: clinical testing. Allele origin: germline. Not counted in ClinVar's aggregate classification.

Eurofins Ntd Llc (ga)
Classification: Uncertain significance. Last evaluated: 2015-04-16. Review status: criteria provided, single submitter. Criteria: EGL Classification Definitions 2015. Collection method: clinical testing. Allele origin: germline. Observed: 1 variant allele, 1 heterozygote. Not counted in ClinVar's aggregate classification.

GeneDx
Classification: Uncertain significance. Last evaluated: 2014-03-10. Review status: criteria provided, single submitter. Criteria: GeneDx Variant Classification (06012015). Collection method: clinical testing. Allele origin: germline. Affected: yes. Not counted in ClinVar's aggregate classification.
Comment: The M82V missense substitution has not been published as a mutation, nor has it been reported as a benign polymorphism to our knowledge. The NHLBI ESP Exome Variant Server reports M82V was not observed in approximately 6,200 samples from individuals of European and African American backgrounds, indicating it is not a common benign variant in these populations, and M82V is also not present in the 1000 Genomes Database. M82V is located at a conserved position within the N-SH2 domain of the SHP2 protein encoded by PTPN11. This domain is the first of two sites involved in switching the protein between its inactive and active conformations. Missense mutations at nearby positions (Q79P, Q79R, D106A) have been reported previously in association with Noonan syndrome. However, the M82V amino acid change is conservative in that both Methionine and Valine are uncharged, non-polar amino acids, and multiple in-silico analysis models predict that M82V is a benign sequence change. Therefore, based on the currently available information, it is unclear whether M82V is a disease-causing mutation or a rare benign variant. The variant is found in NOONAN panel(s).

Literature cited by the submitters: PubMed 30577886 (cited by Labcorp Genetics (formerly Invitae), Labcorp).